The following is an entry in ClinVar:

NM_001384900.1(SEMA3D):c.2279G>T (p.Arg760Leu)

Genes: SEMA3D (semaphorin 3D; minus strand), LOC126860094 (BRD4-independent group 4 enhancer GRCh37_chr7:84628763-84629962; plus strand). Cytogenetic location: 7q21.11.
Variant type: single nucleotide variant.
Coding change: c.2279G>T on transcript NM_001384900.1 (MANE Select); coding-DNA position 2279, G replaced by T.
Protein change: p.Arg760Leu; replaces arginine 760 with leucine.
Molecular consequence: missense variant.
Genome position (GRCh38, 1-based): chr7:84,999,495, C>A on the plus strand (G>T on the coding strand, the complement: SEMA3D is on the minus strand). VCF-style: chr7-84999495-C-A. GRCh37 (hg19) VCF-style: chr7-84628811-C-A.
Other names: c.2279G>T, p.Arg760Leu (NM_001384901.1, NM_001384902.1, NM_001384903.1 and 1 more transcripts); short protein forms R760L.
Identifiers: ClinVar variation 5000771 (VCV005000771.1).

ClinVar aggregate classification (germline): Uncertain significance (1 of 4 stars; one submission).

Conditions:
SEMA3D-related disorder. Also called: SEMA3D-related condition.

Submission:

PreventionGenetics, part of Exact Sciences
Classification: Uncertain significance for SEMA3D-related condition. Last evaluated: 2024-12-05. Review status: criteria provided, single submitter. Criteria: ACMG Guidelines, 2015. Collection method: clinical testing. Allele origin: germline.
Comment: The SEMA3D c.2279G>T variant is predicted to result in the amino acid substitution p.Arg760Leu. To our knowledge, this variant has not been reported in the literature or in a large population database (gnomAD), indicating this variant is rare. At this time, the clinical significance of this variant is uncertain due to the absence of conclusive functional and genetic evidence.